The following is an entry in ClinVar:

ClinVar aggregate classification (germline): Uncertain significance (1 of 4 stars; one submission).

Submission:

Labcorp Genetics (formerly Invitae), Labcorp
Classification: Uncertain significance. Last evaluated: 2025-10-07. Review status: criteria provided, single submitter. Criteria: Invitae Variant Classification Sherloc (09022015). Collection method: clinical testing. Allele origin: germline.
Comment: This sequence change replaces cysteine, which is neutral and slightly polar, with tryptophan, which is neutral and slightly polar, at codon 385 of the TNNI3K protein (p.Cys385Trp). This variant is not present in population databases (gnomAD no frequency). This variant has not been reported in the literature in individuals affected with TNNI3K-related conditions. ClinVar contains an entry for this variant (Variation ID: 1350544). Invitae Evidence Modeling of protein sequence and biophysical properties (such as structural, functional, and spatial information, amino acid conservation, physicochemical variation, residue mobility, and thermodynamic stability) indicates that this missense variant is not expected to disrupt TNNI3K protein function with a negative predictive value of 80%. In summary, the available evidence is currently insufficient to determine the role of this variant in disease. Therefore, it has been classified as a Variant of Uncertain Significance.

NM_015978.3(TNNI3K):c.1155T>G (p.Cys385Trp)

Genes: FPGT-TNNI3K (FPGT-TNNI3K readthrough; plus strand), TNNI3K (TNNI3 interacting kinase; plus strand). Cytogenetic location: 1p31.1.
Variant type: single nucleotide variant.
Coding change: c.1155T>G on transcript NM_015978.3 (MANE Select); coding-DNA position 1155, T replaced by G.
Protein change: p.Cys385Trp; replaces cysteine 385 with tryptophan.
Molecular consequence: missense variant.
Genome position (GRCh38, 1-based): chr1:74,354,107, T>G. VCF-style: chr1-74354107-T-G. GRCh37 (hg19) VCF-style: chr1-74819791-T-G.
Other names: c.1458T>G, p.Cys486Trp (NM_001112808.3, NM_001199327.2); short protein forms C486W, C385W.
Identifiers: ClinVar variation 1350544 (VCV001350544.6), dbSNP rs2100480940, ClinGen allele CA340784543.